The following is an entry in ClinVar:

ClinVar aggregate classification (germline): Uncertain significance. Review status: criteria provided, multiple submitters, no conflicts (2 of 4 stars). 3 submissions from 3 submitters: Uncertain significance (2). 1 of the submissions does not count toward it. Last evaluated 2026-09-29.

Conditions:
Retinitis pigmentosa 26 (RP26). Identifiers: Orphanet 791, MedGen C1842127, MONDO:0012024, OMIM 608380.

Submissions (3):

MVZ Martinsried, Medicover Genetics
Classification: Uncertain significance for Retinitis pigmentosa 26. Last evaluated: 2026-09-29. Review status: criteria provided, single submitter. Criteria: ClinGen Variant Curation SOP V3.2 + Classification Guidance July2025. Collection method: clinical testing. Allele origin: unknown. Observed: 1 heterozygote.

3billion
Classification: Uncertain significance for Retinitis pigmentosa 26. Last evaluated: 2023-06-11. Review status: criteria provided, single submitter. Criteria: ACMG Guidelines, 2015. Collection method: clinical testing. Allele origin: germline. Affected: yes.
Comment: The variant is not observed in the gnomAD v2.1.1 dataset. Predicted Consequence/Location: Protein truncation variants are a common disease-causing mechanism. In silico tool predictions suggest damaging effect of the variant on gene or gene product (REVEL: 0.16; 3Cnet: 0.90). Therefore, this variant is classified as VUS according to the recommendation of ACMG/AMP guideline.

Natera, Inc.
Classification: Uncertain significance for Retinitis Pigmentosa 26. Last evaluated: 2025-01-31. Review status: no assertion criteria provided. Collection method: clinical testing. Allele origin: germline. Not counted in ClinVar's aggregate classification.

NM_201548.5(CERKL):c.1298T>A (p.Ile433Asn)

Gene: CERKL (CERK like autophagy regulator; minus strand). Cytogenetic location: 2q31.3.
Variant type: single nucleotide variant.
Coding change: c.1298T>A on transcript NM_201548.5 (MANE Select); coding-DNA position 1298, T replaced by A.
Protein change: p.Ile433Asn; replaces isoleucine 433 with asparagine.
Molecular consequence: missense variant. On other transcripts: non-coding transcript variant (2).
Genome position (GRCh38, 1-based): chr2:181,544,767, A>T on the plus strand (T>A on the coding strand, the complement: CERKL is on the minus strand). VCF-style: chr2-181544767-A-T. GRCh37 (hg19) VCF-style: chr2-182409494-A-T.
Other names: c.1376T>A (NM_001030311.2); c.1376T>A, p.Ile459Asn (NM_001030311.3); c.959T>A, p.Ile320Asn (NM_001030312.3); c.1091T>A, p.Ile364Asn (NM_001030313.3); c.1244T>A, p.Ile415Asn (NM_001160277.2); short protein forms I320N, I364N, I415N, I433N, I459N.
Identifiers: ClinVar variation 3775535 (VCV003775535.3).